The following is an entry in ClinVar:

ClinVar aggregate classification (germline): Likely benign (1 of 4 stars; one submission).
ClinVar aggregate classification (somatic clinical impact): Tier II - Potential (1 of 4 stars; one submission).

Conditions:
Leukemia. Identifiers: MedGen C0023418, MeSH D007938, MONDO:0005059, HP:0001909.

Submissions (2):

Clinical Genetics Laboratory, Hai Phong University of Medicine and Pharmacy
Classification: Tier II - Potential for Leukemia. Assertion type: diagnostic. Clinical significance: supports diagnosis. Last evaluated: 2026-05-02. Review status: criteria provided, single submitter. Criteria: AMP/ASCO/CAP Guidelines, 2017. Collection method: research. Allele origin: somatic. Affected: yes.
Comment: Classification rationale per AMP/ASCO/CAP 2017 Guidelines (PMID:27993330): Tier II - Variant of Potential Clinical Significance; diagnostic: supports diagnosis. Variant: NM_170606.3:c.2512G>A (p.Gly838Ser) in KMT2C, a missense single-nucleotide substitution (MODERATE predicted impact). Biological context: KMT2C (MLL3) encodes a histone H3K4 methyltransferase that is part of the COMPASS-like complex and is essential for enhancer-mediated transcriptional regulation of hematopoietic differentiation genes. KMT2C is recurrently mutated across myeloid neoplasms - including chronic myelomonocytic leukemia (CMML), myelodysplastic syndrome (MDS), and acute myeloid leukemia (AML) - and loss-of-function or deleterious missense alterations have been reported as drivers of aberrant self-renewal and impaired myeloid differentiation (e.g., Chen et al., Nature 2014; Arndt et al., Leukemia 2018). Deletions of 7q encompassing the KMT2C locus are also a well-established cytogenetic event in CMML/MDS, further supporting a tumor-suppressor role. Multiple KMT2C missense variants were identified in the same tumor, suggesting cumulative perturbation of KMT2C function consistent with its tumor-suppressor role in myeloid disease. Population data: variant is absent from gnomAD population databases, consistent with a rare/somatic event. Computational evidence: in-silico missense predictors (e.g., REVEL, CADD, SIFT, PolyPhen-2) support a deleterious effect on protein function. Evidence level: Level D (preclinical/limited case-level evidence) - the variant adds to the spectrum of KMT2C alterations described in CMML and supports a diagnostic role in this case. No FDA-approved targeted therapy is currently associated with this specific variant; KMT2C-mutant myeloid neoplasms are of growing interest for epigenetic and BET-inhibitor strategies under investigation. Classification of Tier II - diagnostic: supports diagnosis is assigned because KMT2C is a recognized recurrently-mutated gene in CMML and the variant is consistent with the deleterious missense pattern described in the disease, while direct functional or clinical-actionability data for this specific residue remain limited.

Blueprint Genetics
Classification: Likely benign. Last evaluated: 2024-11-27. Review status: criteria provided, single submitter. Criteria: ACMG Guidelines, 2015. Collection method: clinical testing. Allele origin: germline.

NM_170606.3(KMT2C):c.2512G>A (p.Gly838Ser)

Gene: KMT2C (lysine methyltransferase 2C; minus strand). Cytogenetic location: 7q36.1.
Variant type: single nucleotide variant.
Coding change: c.2512G>A on transcript NM_170606.3 (MANE Select); coding-DNA position 2512, G replaced by A.
Protein change: p.Gly838Ser; replaces glycine 838 with serine.
Molecular consequence: missense variant.
Genome position (GRCh38, 1-based): chr7:152,247,922, C>T on the plus strand (G>A on the coding strand, the complement: KMT2C is on the minus strand). VCF-style: chr7-152247922-C-T. GRCh37 (hg19) VCF-style: chr7-151945007-C-T.
Other names: short protein forms G838S.
Identifiers: ClinVar variation 4857731 (VCV004857731.2).